The following is an entry in ClinVar:

ClinVar aggregate classification (germline): Conflicting classifications of pathogenicity. Review status: criteria provided, conflicting classifications (1 of 4 stars). 2 submissions from 2 submitters: Uncertain significance (1); Likely benign (1). Last evaluated 2024-09-18.

Conditions:
Hereditary cancer-predisposing syndrome. Also called: Tumor predisposition; Hereditary Cancer Syndrome; Hereditary neoplastic syndrome; Neoplastic Syndromes, Hereditary. Identifiers: Orphanet 140162, MedGen C0027672, MeSH D009386, MONDO:0015356.
Gorlin syndrome. Also called: Basal cell nevus syndrome; Nevoid Basal Cell Carcinoma Syndrome. Identifiers: Orphanet 377, MedGen C0004779, MONDO:0007187.

Allele frequency attached by ClinVar (database versions not stated): gnomAD exomes below 0.00001.
gnomAD v4.1: 2 of 1,614,166 alleles (0.00012%); highest among the groups gnomAD compares: Non-Finnish European, 0.00017%; no homozygotes.

Submissions (2):

Ambry Genetics
Classification: Uncertain significance for Hereditary cancer-predisposing syndrome. Last evaluated: 2024-09-18. Review status: criteria provided, single submitter. Criteria: Ambry Variant Classification Scheme 2023. Collection method: clinical testing. Allele origin: germline.
Comment: The c.1215+5A>T intronic variant results from an A to T substitution 5 nucleotides after coding exon 8 in the PTCH1 gene. This nucleotide position is not well conserved in available vertebrate species. In silico splice site analysis predicts that this alteration will not have any significant effect on splicing. Based on the available evidence, the clinical significance of this variant remains unclear.

Labcorp Genetics (formerly Invitae), Labcorp
Classification: Likely benign for Gorlin syndrome. Last evaluated: 2022-05-04. Review status: criteria provided, single submitter. Criteria: Invitae Variant Classification Sherloc (09022015). Collection method: clinical testing. Allele origin: germline.

NM_000264.5(PTCH1):c.1215+5A>T

Gene: PTCH1 (patched 1; minus strand). Cytogenetic location: 9q22.32.
Variant type: single nucleotide variant.
Coding change: c.1215+5A>T on transcript NM_000264.5 (MANE Select); 5 bases into the intron after coding-DNA position 1215, A replaced by T.
Molecular consequence: intron variant.
Genome position (GRCh38, 1-based): chr9:95,478,995, T>A on the plus strand (A>T on the coding strand, the complement: PTCH1 is on the minus strand). VCF-style: chr9-95478995-T-A. GRCh37 (hg19) VCF-style: chr9-98241277-T-A.
Other names: c.1212+5A>T (NM_001083603.3); c.1017+5A>T (NM_001083602.3); c.1215+5A>T (NM_001354918.2, NM_000264.3); c.762+5A>T (NM_001083605.3, NM_001083604.3, NM_001083606.3 and 1 more transcripts).
Identifiers: ClinVar variation 2138841 (VCV002138841.5), dbSNP rs1286699794, ClinGen allele CA2580080863.